The following is an entry in ClinVar:

ClinVar aggregate classification (germline): Uncertain significance (1 of 4 stars; one submission).

Conditions:
Oculodentodigital dysplasia, autosomal recessive. Also called: OCULODENTOOSSEOUS DYSPLASIA, AUTOSOMAL RECESSIVE; ODDD, AUTOSOMAL RECESSIVE; ODOD, AUTOSOMAL RECESSIVE. Identifiers: Orphanet 2710, MedGen C2749477, MONDO:0009768, OMIM 257850.

gnomAD v4.1: 1 of 1,614,028 alleles (0.000062%); no homozygotes.

Submission:

Labcorp Genetics (formerly Invitae), Labcorp
Classification: Uncertain significance for Oculodentodigital dysplasia, autosomal recessive. Last evaluated: 2022-01-12. Review status: criteria provided, single submitter. Criteria: Invitae Variant Classification Sherloc (09022015). Collection method: clinical testing. Allele origin: germline.
Comment: In summary, the available evidence is currently insufficient to determine the role of this variant in disease. Therefore, it has been classified as a Variant of Uncertain Significance. Algorithms developed to predict the effect of missense changes on protein structure and function (SIFT, PolyPhen-2, Align-GVGD) all suggest that this variant is likely to be tolerated. This variant has not been reported in the literature in individuals affected with GJA1-related conditions. This variant is not present in population databases (gnomAD no frequency). This sequence change replaces valine, which is neutral and non-polar, with isoleucine, which is neutral and non-polar, at codon 121 of the GJA1 protein (p.Val121Ile).

NM_000165.5(GJA1):c.361G>A (p.Val121Ile)

Gene: GJA1 (gap junction protein alpha 1; plus strand). Cytogenetic location: 6q22.31.
Variant type: single nucleotide variant.
Coding change: c.361G>A on transcript NM_000165.5 (MANE Select); coding-DNA position 361, G replaced by A.
Protein change: p.Val121Ile; replaces valine 121 with isoleucine.
Molecular consequence: missense variant.
Genome position (GRCh38, 1-based): chr6:121,447,208, G>A. VCF-style: chr6-121447208-G-A. GRCh37 (hg19) VCF-style: chr6-121768354-G-A.
Other names: short protein forms V121I.
Identifiers: ClinVar variation 1980938 (VCV001980938.4), dbSNP rs2536821684, ClinGen allele CA365558828.